The following is an entry in ClinVar:

ClinVar aggregate classification (germline): Uncertain significance. Review status: criteria provided, multiple submitters, no conflicts (2 of 4 stars). 3 submissions from 3 submitters: Uncertain significance (3). Last evaluated 2025-08-08.

Conditions:
Neurodevelopmental disorder. Identifiers: MedGen C1535926, MeSH D065886, MONDO:0700092.

Allele frequency attached by ClinVar (database versions not stated): gnomAD 0.00006; ExAC 0.00007; gnomAD exomes 0.00007.
gnomAD v4.1: 117 of 1,613,600 alleles (0.0073%); highest among the groups gnomAD compares: Non-Finnish European, 0.0094%; no homozygotes.

Submissions (3):

Ambry Genetics
Classification: Uncertain significance. Last evaluated: 2025-08-08. Review status: criteria provided, single submitter. Criteria: Ambry Variant Classification Scheme 2023. Collection method: clinical testing. Allele origin: germline.

GeneDx
Classification: Uncertain significance. Last evaluated: 2024-03-12. Review status: criteria provided, single submitter. Criteria: GeneDx Variant Classification Process June 2021. Collection method: clinical testing. Allele origin: germline. Affected: yes.
Comment: In silico analysis supports that this missense variant has a deleterious effect on protein structure/function; Has not been previously published as pathogenic or benign to our knowledge

Victorian Clinical Genetics Services, Murdoch Childrens Research Institute
Classification: Uncertain significance for Neurodevelopmental disorder. Last evaluated: 2020-05-25. Review status: criteria provided, single submitter. Criteria: ACMG Guidelines, 2015. Collection method: clinical testing. Allele origin: germline. Inheritance: Autosomal recessive inheritance. Affected: yes.
Comment: Based on the classification scheme VCGS_Germline_v1.1.1, this variant is classified as 3A-VUS. Following criteria are met: 0105 - The mechanism of disease for this gene is not clearly established, however it is suspected to be loss-of-function (PMID: 30787422; PMID: 28097321). (N) 0106 - This gene is known to be associated with autosomal recessive disease (PMID: 30787422; PMID: 28097321). (N) 0200 - Variant is predicted to result in a missense amino acid change from an arginine to a cysteine (exon 9). (N) 0251 - Variant is heterozygous. (N) 0304 - Variant is present in gnomAD <0.01 for a recessive condition (18 heterozygotes, 0 homozygotes). (P) 0309 - An alternative amino acid change at the same position has been observed in gnomAD (45 heterozygotes, 0 homozygotes). (N) 0501 - Missense variant consistently predicted to be damaging by multiple in-silico tools or highly conserved with a major amino acid change. (P) 0600 - Variant is located in an annotated domain or motif (EF-1 guanine nucleotide exchange domain; NCBI, Decipher, PDB). (N) 0705 - No comparable variants have previous evidence for pathogenicity. (N) 0807 - Variant has not previously been reported in a clinical context. (N) 0905 - No segregation evidence has been identified for this variant. (N) 1007 - No published functional evidence has been identified for this variant. (N) 1201 - Heterozygous variant detected in trans with a second likely pathogenic heterozygous variant in a recessive disease. (N) Legend: (P) - Pathogenic, (N) - Neutral, (B) - Benign

Literature cited by the submitters: PubMed 28097321 (cited by Victorian Clinical Genetics Services, Murdoch Childrens Research Institute); PubMed 30787422 (cited by Victorian Clinical Genetics Services, Murdoch Childrens Research Institute).

NM_001130053.5(EEF1D):c.1753C>T (p.Arg585Cys)

Gene: EEF1D (eukaryotic translation elongation factor 1 delta; minus strand). Cytogenetic location: 8q24.3.
Variant type: single nucleotide variant.
Coding change: c.1753C>T on transcript NM_001130053.5 (MANE Select); coding-DNA position 1753, C replaced by T.
Protein change: p.Arg585Cys; replaces arginine 585 with cysteine.
Molecular consequence: missense variant.
Genome position (GRCh38, 1-based): chr8:143,580,164, G>A on the plus strand (C>T on the coding strand, the complement: EEF1D is on the minus strand). VCF-style: chr8-143580164-G-A. GRCh37 (hg19) VCF-style: chr8-144662334-G-A.
Other names: c.1753C>T (NM_032378.4); c.655C>T, p.Arg219Cys (NM_001130055.4, NM_001130057.4, NM_001289950.4 and 1 more transcripts); c.583C>T, p.Arg195Cys (NM_001130056.5, NM_001317743.4, NM_001330646.3); c.598C>T, p.Arg200Cys (NM_001195203.4); c.1753C>T, p.Arg585Cys (NM_032378.7); short protein forms R195C, R200C, R219C, R585C.
Identifiers: ClinVar variation 1805634 (VCV001805634.5), dbSNP rs780189803, ClinGen allele CA4913369.